The following is an entry in ClinVar:

ClinVar aggregate classification (germline): Likely benign (0 of 4 stars; one submission).

Conditions:
TMEM132D-related disorder. Also called: TMEM132D-related condition.

Allele frequency attached by ClinVar (database versions not stated): TOPMed 0.00003; gnomAD exomes 0.00004; gnomAD 0.00007; ESP Exome Variant Server 0.00008; ExAC 0.00009.
gnomAD v4.1: 68 of 1,602,070 alleles (0.0042%); highest among the groups gnomAD compares: East Asian, 0.009%; no homozygotes.

Submission:

PreventionGenetics, part of Exact Sciences
Classification: Likely benign for TMEM132D-related condition. Last evaluated: 2019-08-29. Review status: no assertion criteria provided. Collection method: clinical testing. Allele origin: germline.
Comment: This variant is classified as likely benign based on ACMG/AMP sequence variant interpretation guidelines (Richards et al. 2015 PMID: 25741868, with internal and published modifications).

NM_133448.3(TMEM132D):c.1656C>T (p.Ala552=)

Gene: TMEM132D (transmembrane protein 132D; minus strand). Cytogenetic location: 12q24.33.
Variant type: single nucleotide variant.
Coding change: c.1656C>T on transcript NM_133448.3 (MANE Select); coding-DNA position 1656, C replaced by T.
Protein change: p.Ala552=; no amino-acid change (alanine 552 retained).
Molecular consequence: synonymous variant.
Genome position (GRCh38, 1-based): chr12:129,082,026, G>A on the plus strand (C>T on the coding strand, the complement: TMEM132D is on the minus strand). VCF-style: chr12-129082026-G-A. GRCh37 (hg19) VCF-style: chr12-129566571-G-A.
Identifiers: ClinVar variation 3052548 (VCV003052548.2), dbSNP rs367939457, ClinGen allele CA6875984.